The following is an entry in ClinVar:

ClinVar aggregate classification (germline): Uncertain significance. Review status: criteria provided, multiple submitters, no conflicts (2 of 4 stars). 2 submissions from 2 submitters: Uncertain significance (2). Last evaluated 2023-11-11.

Allele frequency attached by ClinVar (database versions not stated): gnomAD 0.00001; gnomAD exomes 0.00002; TOPMed 0.00002; ExAC 0.00006.
gnomAD v4.1: 24 of 1,611,672 alleles (0.0015%); highest among the groups gnomAD compares: Middle Eastern, 0.016%; no homozygotes.

Submissions (2):

Labcorp Genetics (formerly Invitae), Labcorp
Classification: Uncertain significance. Last evaluated: 2023-11-11. Review status: criteria provided, single submitter. Criteria: Invitae Variant Classification Sherloc (09022015). Collection method: clinical testing. Allele origin: germline.
Comment: This sequence change replaces arginine, which is basic and polar, with glutamine, which is neutral and polar, at codon 834 of the DCHS1 protein (p.Arg834Gln). This variant is present in population databases (rs751555542, gnomAD 0.009%). This variant has not been reported in the literature in individuals affected with DCHS1-related conditions. ClinVar contains an entry for this variant (Variation ID: 1909669). Advanced modeling of protein sequence and biophysical properties (such as structural, functional, and spatial information, amino acid conservation, physicochemical variation, residue mobility, and thermodynamic stability) performed at Invitae indicates that this missense variant is not expected to disrupt DCHS1 protein function with a negative predictive value of 95%. In summary, the available evidence is currently insufficient to determine the role of this variant in disease. Therefore, it has been classified as a Variant of Uncertain Significance.

Revvity Omics, Revvity
Classification: Uncertain significance. Last evaluated: 2022-08-26. Review status: criteria provided, single submitter. Criteria: ACMG Guidelines, 2015. Collection method: clinical testing. Allele origin: germline.

NM_003737.4(DCHS1):c.2501G>A (p.Arg834Gln)

Gene: DCHS1 (dachsous cadherin-related 1; minus strand). Cytogenetic location: 11p15.4.
Variant type: single nucleotide variant.
Coding change: c.2501G>A on transcript NM_003737.4 (MANE Select); coding-DNA position 2501, G replaced by A.
Protein change: p.Arg834Gln; replaces arginine 834 with glutamine.
Molecular consequence: missense variant.
Genome position (GRCh38, 1-based): chr11:6,633,011, C>T on the plus strand (G>A on the coding strand, the complement: DCHS1 is on the minus strand). VCF-style: chr11-6633011-C-T. GRCh37 (hg19) VCF-style: chr11-6654242-C-T.
Other names: short protein forms R834Q.
Identifiers: ClinVar variation 1909669 (VCV001909669.8), dbSNP rs751555542, ClinGen allele CA5860710.